The following is an entry in ClinVar:

ClinVar aggregate classification (germline): Uncertain significance (1 of 4 stars; one submission).

Conditions:
Metachromatic leukodystrophy (MLD). Also called: SULFATIDE LIPIDOSIS; Cerebral sclerosis diffuse metachromatic form; Arylsulfatase A Deficiency; CEREBROSIDE SULFATASE DEFICIENCY; METACHROMATIC LEUKOENCEPHALOPATHY; ARSA DEFICIENCY. Identifiers: Orphanet 512, MedGen C0023522, MONDO:0018868, OMIM 250100.

Allele frequency attached by ClinVar (database versions not stated): gnomAD exomes 0.00001; TOPMed 0.00001; ExAC 0.00002.
gnomAD v4.1: 3 of 1,608,694 alleles (0.00019%); highest among the groups gnomAD compares: Admixed American, 0.005%; no homozygotes.

Submission:

Labcorp Genetics (formerly Invitae), Labcorp
Classification: Uncertain significance for Metachromatic leukodystrophy. Last evaluated: 2025-07-07. Review status: criteria provided, single submitter. Criteria: Invitae Variant Classification Sherloc (09022015). Collection method: clinical testing. Allele origin: germline.
Comment: This sequence change replaces threonine, which is neutral and polar, with serine, which is neutral and polar, at codon 162 of the ARSA protein (p.Thr162Ser). This variant is present in population databases (rs775002035, gnomAD 0.009%). This variant has not been reported in the literature in individuals affected with ARSA-related conditions. ClinVar contains an entry for this variant (Variation ID: 2055084). Invitae Evidence Modeling of protein sequence and biophysical properties (such as structural, functional, and spatial information, amino acid conservation, physicochemical variation, residue mobility, and thermodynamic stability) indicates that this missense variant is expected to disrupt ARSA protein function with a positive predictive value of 95%. In summary, the available evidence is currently insufficient to determine the role of this variant in disease. Therefore, it has been classified as a Variant of Uncertain Significance.

NM_000487.6(ARSA):c.485C>G (p.Thr162Ser)

Gene: ARSA (arylsulfatase A; minus strand). Cytogenetic location: 22q13.33.
Variant type: single nucleotide variant.
Coding change: c.485C>G on transcript NM_000487.6 (MANE Select); coding-DNA position 485, C replaced by G.
Protein change: p.Thr162Ser; replaces threonine 162 with serine.
Molecular consequence: missense variant.
Genome position (GRCh38, 1-based): chr22:50,627,033, G>C on the plus strand (C>G on the coding strand, the complement: ARSA is on the minus strand). VCF-style: chr22-50627033-G-C. GRCh37 (hg19) VCF-style: chr22-51065461-G-C.
Other names: c.485C>G, p.Thr162Ser (NM_001085425.3, NM_001085426.3, NM_001085427.3); c.227C>G, p.Thr76Ser (NM_001085428.3, NM_001362782.2); short protein forms T162S, T76S.
Identifiers: ClinVar variation 2055084 (VCV002055084.5), dbSNP rs775002035, ClinGen allele CA10324998.
Genomic context (GRCh38, chr22:50,627,033, plus strand): 5'-GGGATGGGGACCAGGCCCTGGTCACAGCCACCGTCGCAAGGAGTGGCCGGCGGGAAGCAG[G>C]TCAGGTTCTGGCAGGGGCCCTGAGGCGGGCAGCTGCCGTGAGGGCTGGGCTGGCAGGTGG-3'
Protein context (NP_000478.3, residues 152-172): SHDQGPCQNL[Thr162Ser]CFPPATPCDG